The following is an entry in ClinVar:

ClinVar aggregate classification (germline): Uncertain significance (1 of 4 stars; one submission).

Conditions:
Cardiovascular phenotype. Identifiers: MedGen CN230736.

Allele frequency attached by ClinVar (database versions not stated): gnomAD exomes below 0.00001; gnomAD 0.00001; TOPMed 0.00002.
gnomAD v4.1: 7 of 1,609,476 alleles (0.00043%); highest among the groups gnomAD compares: Non-Finnish European, 0.00059%; no homozygotes.

Submission:

Ambry Genetics
Classification: Uncertain significance for Cardiovascular phenotype. Last evaluated: 2025-07-03. Review status: criteria provided, single submitter. Criteria: Ambry Variant Classification Scheme 2023. Collection method: clinical testing. Allele origin: germline.
Comment: The p.A367T variant (also known as c.1099G>A), located in coding exon 8 of the LMF1 gene, results from a G to A substitution at nucleotide position 1099. The alanine at codon 367 is replaced by threonine, an amino acid with similar properties. This amino acid position is conserved. In addition, this alteration is predicted to be tolerated by in silico analysis. Based on the available evidence, the clinical significance of this variant remains unclear.

NM_022773.4(LMF1):c.1099G>A (p.Ala367Thr)

Gene: LMF1 (lipase maturation factor 1; minus strand). Cytogenetic location: 16p13.3.
Variant type: single nucleotide variant.
Coding change: c.1099G>A on transcript NM_022773.4 (MANE Select); coding-DNA position 1099, G replaced by A.
Protein change: p.Ala367Thr; replaces alanine 367 with threonine.
Molecular consequence: missense variant. On other transcripts: non-coding transcript variant (1).
Genome position (GRCh38, 1-based): chr16:870,862, C>T on the plus strand (G>A on the coding strand, the complement: LMF1 is on the minus strand). VCF-style: chr16-870862-C-T. GRCh37 (hg19) VCF-style: chr16-920862-C-T.
Other names: c.448G>A, p.Ala150Thr (NM_001352017.2, NM_001352021.2); c.700G>A, p.Ala234Thr (NM_001352018.2); c.772G>A, p.Ala258Thr (NM_001352019.2); c.1099G>A, p.Ala367Thr (NM_001352020.1); short protein forms A234T, A367T, A150T, A258T.
Identifiers: ClinVar variation 2619409 (VCV002619409.3), dbSNP rs936184702, ClinGen allele CA276575996.
Genomic context (GRCh38, chr16:870,862, plus strand): 5'-GCAAGTTGAGGACCACGGGCACGCTGAGCCAGGCCAGCAGGACGCCCAGCGAGACGTTGG[C>T]TGCACGCCGCACCACGGAGCCTGGCAGGGGAGTGACATCTTCCAGGTGGGGCTCCCAGCT-3'
Protein context (NP_073610.2, residues 357-377): PRFGSVVRRA[Ala367Thr]NVSLGVLLAW